The following is an entry in ClinVar:

NM_001174150.2(ARL13B):c.839T>C (p.Met280Thr)

Gene: ARL13B (ARF like GTPase 13B; plus strand). Cytogenetic location: 3q11.2.
Variant type: single nucleotide variant.
Coding change: c.839T>C on transcript NM_001174150.2 (MANE Select); coding-DNA position 839, T replaced by C.
Protein change: p.Met280Thr; replaces methionine 280 with threonine.
Molecular consequence: missense variant. On other transcripts: non-coding transcript variant (2).
Genome position (GRCh38, 1-based): chr3:94,043,055, T>C. VCF-style: chr3-94043055-T-C. GRCh37 (hg19) VCF-style: chr3-93761899-T-C.
Other names: c.530T>C, p.Met177Thr (NM_001174151.2); c.794T>C, p.Met265Thr (NM_001321328.2); c.518T>C, p.Met173Thr (NM_144996.4); c.839T>C, p.Met280Thr (NM_182896.3); short protein forms M280T, M173T, M177T, M265T.
Identifiers: ClinVar variation 234544 (VCV000234544.9), dbSNP rs876661075, ClinGen allele CA10577321.

ClinVar aggregate classification (germline): Uncertain significance. Review status: criteria provided, multiple submitters, no conflicts (2 of 4 stars). 3 submissions from 3 submitters: Uncertain significance (3). Last evaluated 2021-06-04.

Conditions:
Joubert syndrome 8 (JBTS8). Identifiers: Orphanet 475, MedGen C2676771, MONDO:0012855, OMIM 612291.

Allele frequency attached by ClinVar (database versions not stated): gnomAD exomes below 0.00001.
gnomAD v4.1: 3 of 1,611,460 alleles (0.00019%); highest among the groups gnomAD compares: Middle Eastern, 0.017%; no homozygotes.

Submissions (3):

Labcorp Genetics (formerly Invitae), Labcorp
Classification: Uncertain significance for Joubert syndrome 8. Last evaluated: 2021-06-04. Review status: criteria provided, single submitter. Criteria: Invitae Variant Classification Sherloc (09022015). Collection method: clinical testing. Allele origin: germline.
Comment: This variant is not present in population databases (ExAC no frequency). In summary, the available evidence is currently insufficient to determine the role of this variant in disease. Therefore, it has been classified as a Variant of Uncertain Significance. Algorithms developed to predict the effect of missense changes on protein structure and function output the following: SIFT: "Tolerated"; PolyPhen-2: "Benign"; Align-GVGD: "Class C0". The threonine amino acid residue is found in multiple mammalian species, suggesting that this missense change does not adversely affect protein function. These predictions have not been confirmed by published functional studies and their clinical significance is uncertain. This variant has not been reported in the literature in individuals with ARL13B-related conditions. ClinVar contains an entry for this variant (Variation ID: 234544). This sequence change replaces methionine with threonine at codon 280 of the ARL13B protein (p.Met280Thr). The methionine residue is weakly conserved and there is a moderate physicochemical difference between methionine and threonine.

Blueprint Genetics
Classification: Uncertain significance. Last evaluated: 2018-10-16. Review status: criteria provided, single submitter. Criteria: ACMG Guidelines, 2015. Collection method: clinical testing. Allele origin: germline.

GeneDx
Classification: Uncertain significance. Last evaluated: 2015-10-13. Review status: criteria provided, single submitter. Criteria: GeneDx Variant Classification (06012015). Collection method: clinical testing. Allele origin: germline. Affected: yes.
Comment: The M280T variant in the ARL13B gene has not been published as a pathogenic variant, nor has it been reported as a benign variant to our knowledge. The M280T variant was not observed in approximately 6,500 individuals of European and African American ancestry in the NHLBI Exome Sequencing Project, indicating it is not a common benign variant in these populations. The M280T variant is a non-conservative amino acid substitution, which is likely to impact secondary protein structure as these residues differ in polarity, charge, size and/or other properties. This substitution occurs at a position that is not conserved across species. In silico analysis is inconsistent in its predictions as to whether or not the variant is damaging to the protein structure/function. We interpret M280T as a variant of uncertain significance.